The following is an entry in ClinVar:

ClinVar aggregate classification (germline): Uncertain significance. Review status: criteria provided, multiple submitters, no conflicts (2 of 4 stars). 2 submissions from 2 submitters: Uncertain significance (2). Last evaluated 2025-07-02.

Conditions:
Inborn genetic diseases. Identifiers: MedGen C0950123, MeSH D030342.

Allele frequency attached by ClinVar (database versions not stated): gnomAD exomes below 0.00001 and 0.00001; gnomAD 0.00001.
gnomAD v4.1: 15 of 1,612,894 alleles (0.00093%); highest among the groups gnomAD compares: Middle Eastern, 0.016%; no homozygotes.

Submissions (2):

Labcorp Genetics (formerly Invitae), Labcorp
Classification: Uncertain significance. Last evaluated: 2025-07-02. Review status: criteria provided, single submitter. Criteria: Invitae Variant Classification Sherloc (09022015). Collection method: clinical testing. Allele origin: germline.
Comment: This sequence change replaces arginine, which is basic and polar, with histidine, which is basic and polar, at codon 3236 of the DCHS1 protein (p.Arg3236His). The frequency data for this variant in the population databases is considered unreliable, as metrics indicate poor data quality at this position in the gnomAD database. This variant has not been reported in the literature in individuals affected with DCHS1-related conditions. ClinVar contains an entry for this variant (Variation ID: 1517775). Invitae Evidence Modeling of protein sequence and biophysical properties (such as structural, functional, and spatial information, amino acid conservation, physicochemical variation, residue mobility, and thermodynamic stability) indicates that this missense variant is not expected to disrupt DCHS1 protein function with a negative predictive value of 95%. In summary, the available evidence is currently insufficient to determine the role of this variant in disease. Therefore, it has been classified as a Variant of Uncertain Significance.

Ambry Genetics
Classification: Uncertain significance for Inborn genetic diseases. Last evaluated: 2023-05-05. Review status: criteria provided, single submitter. Criteria: Ambry Variant Classification Scheme 2023. Collection method: clinical testing. Allele origin: germline.

NM_003737.4(DCHS1):c.9707G>A (p.Arg3236His)

Gene: DCHS1 (dachsous cadherin-related 1; minus strand). Cytogenetic location: 11p15.4.
Variant type: single nucleotide variant.
Coding change: c.9707G>A on transcript NM_003737.4 (MANE Select); coding-DNA position 9707, G replaced by A.
Protein change: p.Arg3236His; replaces arginine 3236 with histidine.
Molecular consequence: missense variant.
Genome position (GRCh38, 1-based): chr11:6,621,969, C>T on the plus strand (G>A on the coding strand, the complement: DCHS1 is on the minus strand). VCF-style: chr11-6621969-C-T. GRCh37 (hg19) VCF-style: chr11-6643200-C-T.
Other names: c.9707G>A (NM_003737.2); short protein forms R3236H.
Identifiers: ClinVar variation 1517775 (VCV001517775.9), dbSNP rs1418163020, ClinGen allele CA379478202.
Genomic context (GRCh38, chr11:6,621,969, plus strand): 5'-GGTGAGAAGCTGGGGGACATGGCAGCTGAGGACAGGGAGCCTTCATGGCTGATGGGGGAG[C>T]GGTGAGAAGCTGGTGGGAAGATGGCCCGGGCTGCAGCTGTGTTTGCTGGCTTGGGGGGCA-3'
Protein context (NP_003728.1, residues 3226-3246): ARAIFPPASH[Arg3236His]SPISHEGSLS